The following is an entry in ClinVar:

ClinVar aggregate classification (germline): Conflicting classifications of pathogenicity. Review status: criteria provided, conflicting classifications (1 of 4 stars). 21 submissions from 21 submitters: Uncertain significance (3); Benign (2); Likely benign (10). 6 of the submissions do not count toward it. Last evaluated 2026-05-01.

Conditions:
Heart failure. Identifiers: MedGen C0018801, MONDO:0005252.
Primary dilated cardiomyopathy (DCM). Also called: Dilated Cardiomyopathy. Identifiers: Orphanet 217604, MedGen C0007193, MeSH D002311, MONDO:0005021, HP:0001644. Inheritance: Various modes of inheritance.
TTN-related disorder. Also called: TTN-related condition; TTN-related disease; TTN-related disorders.
Dilated cardiomyopathy 1G (CMD1G). Identifiers: Orphanet 154, MedGen C1858763, MONDO:0011400, OMIM 604145.
Autosomal recessive limb-girdle muscular dystrophy type 2J (LGMDR10). Also called: Limb-girdle muscular dystrophy, type 2J; MUSCULAR DYSTROPHY, LIMB-GIRDLE, AUTOSOMAL RECESSIVE 10. Identifiers: Orphanet 140922, MedGen C1837342, MONDO:0012127, OMIM 608807.
Cardiovascular phenotype. Identifiers: MedGen CN230736.
Cardiomyopathy (CMYO). Also called: Cardiomyopathies. Identifiers: Orphanet 167848, MedGen C0878544, MONDO:0004994, HP:0001638. Inheritance: Various modes of inheritance.
Tibial muscular dystrophy (TMD). Also called: Udd Distal Myopathy – Tibial Muscular Dystrophy; Tibial muscular dystrophy, tardive; UDD MYOPATHY. Identifiers: Orphanet 609, MedGen C1838244, MONDO:0010870, OMIM 600334.

Allele frequency attached by ClinVar (database versions not stated): 1000 Genomes Project 30x 0.00062; 1000 Genomes Project 0.00080; ExAC 0.00083; gnomAD 0.00087 and 0.00088; gnomAD exomes 0.00087; TOPMed 0.00101; ESP Exome Variant Server 0.00108.
gnomAD v4.1: 2,054 of 1,612,876 alleles (0.13%); highest among the groups gnomAD compares: Non-Finnish European, 0.16%; 2 homozygotes.

Submissions (21):

CeGaT Center for Human Genetics Tuebingen
Classification: Likely benign. Last evaluated: 2026-05-01. Review status: criteria provided, single submitter. Criteria: CeGaT Center For Human Genetics Tuebingen Variant Classification Criteria Version 2. Collection method: clinical testing. Allele origin: germline. Affected: yes. Observed: 5 variant alleles.
Comment: TTN: PM2, BS2

Labcorp Genetics (formerly Invitae), Labcorp
Classification: Likely benign for Dilated cardiomyopathy 1G; Autosomal recessive limb-girdle muscular dystrophy type 2J. Last evaluated: 2026-02-01. Review status: criteria provided, single submitter. Criteria: Invitae Variant Classification Sherloc (09022015). Collection method: clinical testing. Allele origin: germline.

Molecular Diagnostic Laboratory for Inherited Cardiovascular Disease, Montreal Heart Institute
Classification: Likely benign. Last evaluated: 2025-04-09. Review status: criteria provided, single submitter. Criteria: ACMG Guidelines, 2015. Collection method: clinical testing. Allele origin: germline. Affected: no.

Blueprint Genetics
Classification: Likely benign. Last evaluated: 2024-11-25. Review status: criteria provided, single submitter. Criteria: ACMG Guidelines, 2015. Collection method: clinical testing. Allele origin: germline.

ARUP Laboratories, Molecular Genetics and Genomics, ARUP Laboratories
Classification: Uncertain significance. Last evaluated: 2024-08-15. Review status: criteria provided, single submitter. Criteria: ARUP Molecular Germline Variant Investigation Process 2024. Collection method: clinical testing. Allele origin: germline.
Comment: The TTN c.5479G>T; p.Ala1827Ser variant (rs141213991; ClinVar Variation ID: 47184) is rare in the general population (<0.2% allele frequency in the Genome Aggregation Database) and has not been reported in the medical literature in association with dilated cardiomyopathy (DCM) or other TTN-related disease. The clinical relevance of rare missense variants in this gene, which are identified on average once per individual sequenced in affected populations (Herman 2012), is not well understood. Yet, evidence suggests that the vast majority of such missense variants do not contribute to the clinical outcome of DCM (Begay 2015). Thus, the clinical significance of the p.Ala1827Ser variant cannot be determined with certainty.

Illumina Laboratory Services, Illumina
Classification: Uncertain significance. Last evaluated: 2023-05-02. Review status: criteria provided, single submitter. Criteria: ICSLVariantClassificationCriteria RUGD 01 April 2020. Collection method: clinical testing. Allele origin: unknown.
Comment: The TTN c.5479G>T (p.Ala1827Ser) variant is a missense variant located in exon 28 of the meta isoform NM_001267550 between the Z-disk and the I-band, and more specifically between the Ig-like-8 and Ig-like-9 domains. The p.Ala1827Ser variant is reported at a frequency of 0.00150 in the European (non-Finnish) population of the Genome Aggregation Database (gnomAD) v3.1.1 and is therefore considered a likely benign variant for all dominantly inherited TTN-related disorders. No homozygous control individuals have been reported for this variant in gnomAD v2.1.1 and 3.1.1. To our knowledge, this variant has not been reported in any TTN-related myopathies with extra-cardiac features, and thus the possibility that this variant contributes to recessive myopathy when found in homozygous or compound-heterozygous state with another variant cannot be excluded at this time. Based on the available evidence, the p.Ala1827Ser is classified as a variant of uncertain significance for recessively inherited TTN-related myopathy.

Women's Health and Genetics/Laboratory Corporation of America, LabCorp
Classification: Likely benign. Last evaluated: 2021-06-21. Review status: criteria provided, single submitter. Criteria: LabCorp Variant Classification Summary - May 2015. Collection method: clinical testing. Allele origin: germline.
Comment: Variant summary: TTN c.5479G>T (p.Ala1827Ser) results in a conservative amino acid change located in the I-Band domain of the encoded protein sequence. Three of five in-silico tools predict a benign effect of the variant on protein function. The variant allele was found at a frequency of 0.00087 in 250448 control chromosomes, predominantly at a frequency of 0.0014 within the Non-Finnish European subpopulation in the gnomAD database. The observed variant frequency within Non-Finnish European control individuals in the gnomAD database is approximately 3.58 fold of the estimated maximal expected allele frequency for a pathogenic variant in TTN causing Dilated Cardiomyopathy phenotype (0.00039), strongly suggesting that the variant is a benign polymorphism found primarily in populations of Non-Finnish European origin. c.5479G>T has been reported in the literature in individuals affected with Dilated Cardiomyopathy (Campuzano_2015, Mademont-Soler_2017, Pugh_2014). These reports do not provide unequivocal conclusions about association of the variant with Dilated Cardiomyopathy. To our knowledge, no experimental evidence demonstrating an impact on protein function has been reported. Nine clinical diagnostic laboratories have submitted clinical-significance assessments for this variant to ClinVar after 2014 without evidence for independent evaluation. Multiple laboratories reported the variant with conflicting assessments. Based on the evidence outlined above, the variant was classified as likely benign.

GeneDx
Classification: Likely benign. Last evaluated: 2020-08-20. Review status: criteria provided, single submitter. Criteria: GeneDx Variant Classification Process June 2021. Collection method: clinical testing. Allele origin: germline. Affected: yes.
Comment: This variant is associated with the following publications: (PMID: 26272908, 24033266, 23861362, 24503780)

CHEO Genetics Diagnostic Laboratory, Children's Hospital of Eastern Ontario
Classification: Benign for Cardiomyopathy. Last evaluated: 2020-06-08. Review status: criteria provided, single submitter. Criteria: ACMG Guidelines, 2015. Collection method: clinical testing. Allele origin: germline.

Ambry Genetics
Classification: Likely benign for Cardiovascular phenotype. Last evaluated: 2019-11-21. Review status: criteria provided, single submitter. Criteria: Ambry Variant Classification Scheme 2023. Collection method: clinical testing. Allele origin: germline.

Athena Diagnostics
Classification: Likely benign. Last evaluated: 2019-04-11. Review status: criteria provided, single submitter. Criteria: Athena Diagnostics Criteria. Collection method: clinical testing. Allele origin: germline.

Center for Advanced Laboratory Medicine, UC San Diego Health, University of California San Diego
Classification: Likely benign for Heart failure; Dilated cardiomyopathy. Last evaluated: 2018-07-03. Review status: criteria provided, single submitter. Criteria: ACMG Guidelines, 2015. Collection method: clinical testing. Allele origin: germline. Affected: yes. Observed: 4 variant alleles.

Eurofins Ntd Llc (ga)
Classification: Uncertain significance. Last evaluated: 2018-07-02. Review status: criteria provided, single submitter. Criteria: EGL ClinVar v180209 classification definitions. Collection method: clinical testing. Allele origin: germline. Observed: 15 variant alleles, 14 heterozygotes.

Laboratory for Molecular Medicine, Mass General Brigham Personalized Medicine
Classification: Benign. Last evaluated: 2018-06-14. Review status: criteria provided, single submitter. Criteria: LMM Criteria. Collection method: clinical testing. Allele origin: germline. Observed: 4 variant alleles.
Comment: The p.Ala1827Ser variant in TTN is classified as benign because it has been iden tified in 0.13% (165/126446) of European chromosomes by the Genome Aggregation D atabase (gnomAD). ACMG/AMP Criteria applied: BA1.

Biesecker Lab/Clinical Genomics Section, National Institutes of Health
Classification: Likely benign. Last evaluated: 2013-06-24. Review status: criteria provided, single submitter. Criteria: Ng et al. (Circ Cardiovasc Genet. 2013). Collection method: research. Allele origin: unknown. Observed: 4 variant alleles. Study: ClinSeq.
Comment: The study set was not selected for affection status in relation to any cancer. Pathogenicity categories were based on literature curation. See Pubmed ID:23861362 for details.

Medical sequencing

PreventionGenetics, part of Exact Sciences
Classification: Likely benign for TTN-related condition. Last evaluated: 2019-12-13. Review status: no assertion criteria provided. Collection method: clinical testing. Allele origin: germline. Not counted in ClinVar's aggregate classification.
Comment: This variant is classified as likely benign based on ACMG/AMP sequence variant interpretation guidelines (Richards et al. 2015 PMID: 25741868, with internal and published modifications).

Clinical Genetics DNA and cytogenetics Diagnostics Lab, Erasmus MC, Erasmus Medical Center
Classification: Likely benign. Review status: no assertion criteria provided. Collection method: clinical testing. Allele origin: germline. Affected: yes. Study: VKGL Data-share Consensus. Not counted in ClinVar's aggregate classification.

Clinical Genetics, Academic Medical Center
Classification: Benign. Review status: no assertion criteria provided. Collection method: clinical testing. Allele origin: germline. Affected: yes. Study: VKGL Data-share Consensus. Not counted in ClinVar's aggregate classification.

Diagnostic Laboratory, Department of Genetics, University Medical Center Groningen
Classification: Likely benign. Review status: no assertion criteria provided. Collection method: clinical testing. Allele origin: germline. Affected: yes. Study: VKGL Data-share Consensus. Not counted in ClinVar's aggregate classification.

Genome Diagnostics Laboratory, University Medical Center Utrecht
Classification: Likely benign. Review status: no assertion criteria provided. Collection method: clinical testing. Allele origin: germline. Affected: yes. Study: VKGL Data-share Consensus. Not counted in ClinVar's aggregate classification.

Joint Genome Diagnostic Labs from Nijmegen and Maastricht, Radboudumc and MUMC+
Classification: Likely benign. Review status: no assertion criteria provided. Collection method: clinical testing. Allele origin: germline. Affected: yes. Study: VKGL Data-share Consensus. Not counted in ClinVar's aggregate classification.

Literature cited by the submitters: PubMed 24503780 (cited by 4 submitters); PubMed 28771489 (cited by Women's Health and Genetics/Laboratory Corporation of America, LabCorp); PubMed 26516846 (cited by Women's Health and Genetics/Laboratory Corporation of America, LabCorp); PubMed 23861362 (cited by Ambry Genetics); PubMed 25589632 (cited by Ambry Genetics); PubMed 26272908 (cited by Ambry Genetics and Athena Diagnostics).

NM_001267550.2(TTN):c.5479G>T (p.Ala1827Ser)

Gene: TTN (titin; minus strand). Cytogenetic location: 2q31.2.
Variant type: single nucleotide variant.
Coding change: c.5479G>T on transcript NM_001267550.2 (MANE Select); coding-DNA position 5479, G replaced by T.
Protein change: p.Ala1827Ser; replaces alanine 1827 with serine.
Molecular consequence: missense variant.
Genome position (GRCh38, 1-based): chr2:178,776,385, C>A on the plus strand (G>T on the coding strand, the complement: TTN is on the minus strand). VCF-style: chr2-178776385-C-A. GRCh37 (hg19) VCF-style: chr2-179641112-C-A.
Other names: p.A1827S:GCA>TCA; c.5479G>T, p.Ala1827Ser (NM_001256850.1, NM_133378.4, NM_133379.5); c.5341G>T, p.Ala1781Ser (NM_003319.4, NM_133432.3, NM_133437.4); short protein forms A1827S, A1781S.
Identifiers: ClinVar variation 47184 (VCV000047184.87), dbSNP rs141213991, ClinGen allele CA140248.